The following is an entry in ClinVar:

ClinVar aggregate classification (germline): Uncertain significance (1 of 4 stars; one submission).

gnomAD v4.1: 32 of 1,607,380 alleles (0.002%); highest among the groups gnomAD compares: African/African-American, 0.0053%; no homozygotes.

Submission:

Dasa
Classification: Uncertain significance. Last evaluated: 2026-01-29. Review status: criteria provided, single submitter. Criteria: DASA Assertion Criteria. Collection method: clinical testing. Allele origin: germline.
Comment: NM_001366145.2(TRPM3):c.2101A>G (p.Ile701Val) is a missense variant that results in the substitution of isoleucine with valine. This variant is rare in population databases. Computational prediction algorithms are consistent with a benign effect. The currently available literature and clinical evidence are not sufficient to establish a definitive association between this variant and the reported condition. Therefore, this variant is classified as a variant of uncertain significance.

NM_001366145.2(TRPM3):c.2101A>G (p.Ile701Val)

Gene: TRPM3 (transient receptor potential cation channel subfamily M member 3; minus strand). Cytogenetic location: 9q21.12.
Variant type: single nucleotide variant.
Coding change: c.2101A>G on transcript NM_001366145.2 (MANE Select); coding-DNA position 2101, A replaced by G.
Protein change: p.Ile701Val; replaces isoleucine 701 with valine.
Molecular consequence: missense variant.
Genome position (GRCh38, 1-based): chr9:70,620,104, T>C on the plus strand (A>G on the coding strand, the complement: TRPM3 is on the minus strand). VCF-style: chr9-70620104-T-C. GRCh37 (hg19) VCF-style: chr9-73235020-T-C.
Other names: c.2065A>G, p.Ile689Val (NM_001007471.4, NM_001366151.2); c.2071A>G, p.Ile691Val (NM_001366141.2, NM_001366143.2, NM_001366149.2); c.2107A>G, p.Ile703Val (NM_001366142.2); c.2101A>G, p.Ile701Val (NM_001366146.2); c.2176A>G, p.Ile726Val (NM_001366147.2, NM_001366152.2); c.2146A>G, p.Ile716Val (NM_001366148.2); c.2035A>G, p.Ile679Val (NM_001366150.2); c.1642A>G, p.Ile548Val (NM_001366154.2, NM_024971.7); and 5 more; short protein forms I526V, I536V, I538V, I548V, I551V, I561V, I679V, I689V.
Identifiers: ClinVar variation 4885116 (VCV004885116.2).